The following is an entry in ClinVar:

ClinVar aggregate classification (germline): Uncertain significance (1 of 4 stars; one submission).

Conditions:
Epidermolysis bullosa simplex 5B, with muscular dystrophy (EBS5B). Also called: Epidermolysis bullosa simplex with muscular dystrophy; EPIDERMOLYSIS BULLOSA SIMPLEX AND LIMB-GIRDLE MUSCULAR DYSTROPHY. Identifiers: Orphanet 257, MedGen C2931072, MONDO:0009181, OMIM 226670.
Epidermolysis bullosa simplex 5C, with pyloric atresia (EBS5C). Also called: Epidermolysis bullosa simplex with pyloric atresia; PLEC-Related Epidermolysis Bullosa with Pyloric Atresia; PLEC1-Related Epidermolysis Bullosa with Pyloric Atresia. Identifiers: Orphanet 158684, MedGen C2677349, MONDO:0012807, OMIM 612138.
Epidermolysis bullosa simplex with nail dystrophy (EBS5D). Identifiers: MedGen C4225309, MONDO:0014661, OMIM 616487.
Autosomal recessive limb-girdle muscular dystrophy type 2Q (LGMDR17). Also called: MUSCULAR DYSTROPHY, LIMB-GIRDLE, AUTOSOMAL RECESSIVE 17. Identifiers: Orphanet 254361, MedGen C3150989, MONDO:0013390, OMIM 613723.
Epidermolysis bullosa simplex, Ogna type (EBS5A). Also called: Pidermolysis bullosa simplex 5A, Ogna type; EPIDERMOLYSIS BULLOSA SIMPLEX 5A, OGNA TYPE. Identifiers: Orphanet 79401, MedGen C0432317, MONDO:0007555, OMIM 131950.

Submission:

Labcorp Genetics (formerly Invitae), Labcorp
Classification: Uncertain significance for Autosomal recessive limb-girdle muscular dystrophy type 2Q; Epidermolysis bullosa simplex, Ogna type; Epidermolysis bullosa simplex with nail dystrophy; Epidermolysis bullosa simplex 5C, with pyloric atresia; Epidermolysis bullosa simplex 5B, with muscular dystrophy. Last evaluated: 2021-11-05. Review status: criteria provided, single submitter. Criteria: Invitae Variant Classification Sherloc (09022015). Collection method: clinical testing. Allele origin: germline.
Comment: This variant, c.10504_10506del, results in the deletion of 1 amino acid(s) of the PLEC protein (p.Ile3502del), but otherwise preserves the integrity of the reading frame. In summary, the available evidence is currently insufficient to determine the role of this variant in disease. Therefore, it has been classified as a Variant of Uncertain Significance. Experimental studies and prediction algorithms are not available or were not evaluated, and the functional significance of this variant is currently unknown. This variant has not been reported in the literature in individuals affected with PLEC-related conditions. This variant is not present in population databases (gnomAD no frequency).

NM_201384.3(PLEC):c.10420ATC[1] (p.Ile3475del)

Gene: PLEC (plectin; minus strand). Cytogenetic location: 8q24.3.
Variant type: Microsatellite.
Coding change: c.10420ATC[1] on transcript NM_201384.3 (MANE Select); one copy of the 3-base unit ATC starting at c.10420; the reference has two copies in a row; one copy, 3 bases deleted.
Protein change: p.Ile3475del; deletes isoleucine 3475.
Molecular consequence: inframe deletion.
Genome position (GRCh38, 1-based): chr8:143,919,396-143,919,398, GAT deleted on the plus strand (ATC on the coding strand, the reverse complement: PLEC is on the minus strand); deleting any 3 consecutive bases within chr8:143,919,396-143,919,402 gives the same sequence; the position shown is the placement nearest the transcript's 3' end. VCF-style (leftmost placement, unchanged base first): chr8-143919395-CGAT-C. GRCh37 (hg19) VCF-style: chr8-144993563-CGAT-C.
Other names: c.10501ATC[1], p.Ile3502del (NM_000445.5); c.10378ATC[1], p.Ile3461del (NM_201378.4); c.10354ATC[1], p.Ile3453del (NM_201379.3); c.10831ATC[1], p.Ile3612del (NM_201380.4); c.10324ATC[1], p.Ile3443del (NM_201381.3); c.10420ATC[1], p.Ile3475del (NM_201382.4); c.10432ATC[1], p.Ile3479del (NM_201383.3); short protein forms I3475del, I3612del, I3453del, I3479del, I3443del, I3461del, I3502del.
Identifiers: ClinVar variation 1362143 (VCV001362143.6), dbSNP rs2130990107, ClinGen allele CA913128923.